The following is an entry in ClinVar:

NM_178170.3(NEK8):c.1049C>T (p.Ser350Phe)

Gene: NEK8 (NIMA related kinase 8; plus strand). Cytogenetic location: 17q11.2.
Variant type: single nucleotide variant.
Coding change: c.1049C>T on transcript NM_178170.3 (MANE Select); coding-DNA position 1049, C replaced by T.
Protein change: p.Ser350Phe; replaces serine 350 with phenylalanine.
Molecular consequence: missense variant.
Genome position (GRCh38, 1-based): chr17:28,737,978, C>T. VCF-style: chr17-28737978-C-T. GRCh37 (hg19) VCF-style: chr17-27064996-C-T.
Other names: short protein forms S350F.
Identifiers: ClinVar variation 2414635 (VCV002414635.6), dbSNP rs746794190, ClinGen allele CA8467282.

ClinVar aggregate classification (germline): Uncertain significance (1 of 4 stars; one submission).

Conditions:
Nephronophthisis 9 (NPHP9). Identifiers: Orphanet 655, MedGen C3151188, MONDO:0013444, OMIM 613824.

Allele frequency attached by ClinVar (database versions not stated): ExAC 0.00001.
gnomAD v4.1: 3 of 1,611,948 alleles (0.00019%); highest among the groups gnomAD compares: Admixed American, 0.0017%; no homozygotes.

Submission:

Labcorp Genetics (formerly Invitae), Labcorp
Classification: Uncertain significance for Nephronophthisis 9. Last evaluated: 2024-10-08. Review status: criteria provided, single submitter. Criteria: Invitae Variant Classification Sherloc (09022015). Collection method: clinical testing. Allele origin: germline.
Comment: This sequence change replaces serine, which is neutral and polar, with phenylalanine, which is neutral and non-polar, at codon 350 of the NEK8 protein (p.Ser350Phe). This variant is present in population databases (rs746794190, gnomAD 0.0009%). This variant has not been reported in the literature in individuals affected with NEK8-related conditions. ClinVar contains an entry for this variant (Variation ID: 2414635). An algorithm developed to predict the effect of missense changes on protein structure and function (PolyPhen-2) suggests that this variant is likely to be disruptive. In summary, the available evidence is currently insufficient to determine the role of this variant in disease. Therefore, it has been classified as a Variant of Uncertain Significance.